The following is an entry in ClinVar:

NM_138576.4(BCL11B):c.64G>T (p.Ala22Ser)

Gene: BCL11B (BCL11 transcription factor B; minus strand). Cytogenetic location: 14q32.2.
Variant type: single nucleotide variant.
Coding change: c.64G>T on transcript NM_138576.4 (MANE Select); coding-DNA position 64, G replaced by T.
Protein change: p.Ala22Ser; replaces alanine 22 with serine.
Molecular consequence: missense variant.
Genome position (GRCh38, 1-based): chr14:99,257,834, C>A on the plus strand (G>T on the coding strand, the complement: BCL11B is on the minus strand). VCF-style: chr14-99257834-C-A. GRCh37 (hg19) VCF-style: chr14-99724171-C-A.
Other names: c.61G>T, p.Ala21Ser (NM_001282237.2, NM_001282238.2); c.64G>T, p.Ala22Ser (NM_022898.3); c.64G>T (NM_138576.2); short protein forms A21S, A22S.
Identifiers: ClinVar variation 1952007 (VCV001952007.6), dbSNP rs758993384, ClinGen allele CA7339951.

ClinVar aggregate classification (germline): Conflicting classifications of pathogenicity. Review status: criteria provided, conflicting classifications (1 of 4 stars). 2 submissions from 2 submitters: Uncertain significance (1); Benign (1). Last evaluated 2026-03-11.

Conditions:
Inborn genetic diseases. Identifiers: MedGen C0950123, MeSH D030342.

Allele frequency attached by ClinVar (database versions not stated): ExAC 0.00001.
gnomAD v4.1: 3 of 1,528,696 alleles (0.0002%); highest among the groups gnomAD compares: African/African-American, 0.0014%; no homozygotes.

Submissions (2):

Ambry Genetics
Classification: Uncertain significance for Inborn genetic diseases. Last evaluated: 2026-03-11. Review status: criteria provided, single submitter. Criteria: Ambry Variant Classification Scheme 2023. Collection method: clinical testing. Allele origin: germline.
Comment: The c.64G>T (p.A22S) alteration is located in exon 2 (coding exon 2) of the BCL11B gene. This alteration results from a G to T substitution at nucleotide position 64, causing the alanine (A) at amino acid position 22 to be replaced by a serine (S). Based on data from gnomAD, the T allele has an overall frequency of <0.001% (1/192944) total alleles studied. The highest observed frequency was 0.007% (1/15116) of African alleles. Based on insufficient or conflicting evidence, the clinical significance of this alteration remains unclear.

Labcorp Genetics (formerly Invitae), Labcorp
Classification: Benign. Last evaluated: 2025-03-12. Review status: criteria provided, single submitter. Criteria: Invitae Variant Classification Sherloc (09022015). Collection method: clinical testing. Allele origin: germline.